The following is an entry in ClinVar:

NM_001367721.1(CASK):c.1186C>G (p.Pro396Ala)

Gene: CASK (calcium/calmodulin dependent serine protein kinase; minus strand). Cytogenetic location: Xp11.4.
Variant type: single nucleotide variant.
Coding change: c.1186C>G on transcript NM_001367721.1 (MANE Select); coding-DNA position 1186, C replaced by G.
Protein change: p.Pro396Ala; replaces proline 396 with alanine.
Molecular consequence: missense variant.
Genome position (GRCh38, 1-based): chrX:41,589,562, G>C on the plus strand (C>G on the coding strand, the complement: CASK is on the minus strand). VCF-style: chrX-41589562-G-C. GRCh37 (hg19) VCF-style: chrX-41448815-G-C.
Other names: c.1186C>G, p.Pro396Ala (NM_001126054.3, NM_003688.4); c.1168C>G, p.Pro390Ala (NM_001410745.1, NM_001126055.3); short protein forms P390A, P396A.
Identifiers: ClinVar variation 2815347 (VCV002815347.3), dbSNP rs137852820, ClinGen allele CA329233030.
Genomic context (GRCh38, chrX:41,589,562, plus strand): 5'-ATATATCACTTACCTCTTTGGCTCTCTGTACTGCATCGCTTGGAGGATTCCTGATTTGTG[G>C]TGAAGACTTTGTGTTAATTTTGTCATACAGCTAAAAAGCAAAGAAGAAAATCCAGTAAAC-3'
Protein context (NP_001354650.1, residues 386-406): LYDKINTKSS[Pro396Ala]QIRNPPSDAV

ClinVar aggregate classification (germline): Uncertain significance (1 of 4 stars; one submission).

Conditions:
Intellectual disability, CASK-related, X-linked. Identifiers: MedGen CN043158.

Allele frequency attached by ClinVar (database versions not stated): 1000 Genomes Project 30x 0.00021; 1000 Genomes Project 0.00026.
gnomAD v4.1: 2 of 1,202,722 alleles (0.00017%); highest among the groups gnomAD compares: East Asian, 0.003%; no homozygotes.

Submission:

Labcorp Genetics (formerly Invitae), Labcorp
Classification: Uncertain significance for Intellectual disability, CASK-related, X-linked. Last evaluated: 2022-11-26. Review status: criteria provided, single submitter. Criteria: Invitae Variant Classification Sherloc (09022015). Collection method: clinical testing. Allele origin: germline.
Comment: In summary, the available evidence is currently insufficient to determine the role of this variant in disease. Therefore, it has been classified as a Variant of Uncertain Significance. Advanced modeling of protein sequence and biophysical properties (such as structural, functional, and spatial information, amino acid conservation, physicochemical variation, residue mobility, and thermodynamic stability) has been performed at Invitae for this missense variant, however the output from this modeling did not meet the statistical confidence thresholds required to predict the impact of this variant on CASK protein function. This variant has not been reported in the literature in individuals affected with CASK-related conditions. This variant is not present in population databases (gnomAD no frequency). This sequence change replaces proline, which is neutral and non-polar, with alanine, which is neutral and non-polar, at codon 396 of the CASK protein (p.Pro396Ala).